The following is an entry in ClinVar:

NM_000551.4(VHL):c.188T>C (p.Leu63Pro)

Gene: VHL (von Hippel-Lindau tumor suppressor; plus strand). Cytogenetic location: 3p25.3.
Variant type: single nucleotide variant.
Coding change: c.188T>C on transcript NM_000551.4 (MANE Select); coding-DNA position 188, T replaced by C.
Protein change: p.Leu63Pro; replaces leucine 63 with proline.
Molecular consequence: missense variant.
Genome position (GRCh38, 1-based): chr3:10,142,035, T>C. VCF-style: chr3-10142035-T-C. GRCh37 (hg19) VCF-style: chr3-10183719-T-C.
Other names: c.188T>C, p.Leu63Pro (NM_001354723.2, NM_198156.3); short protein forms L63P.
Identifiers: ClinVar variation 2227 (VCV000002227.7), dbSNP rs104893827, ClinGen allele CA020079.

ClinVar aggregate classification (germline): Uncertain significance. Review status: criteria provided, multiple submitters, no conflicts (2 of 4 stars). 3 submissions from 3 submitters: Uncertain significance (2). 1 of the submissions does not count toward it. Last evaluated 2018-05-06.

Conditions:
Chuvash polycythemia. Also called: POLYCYTHEMIA, VHL-DEPENDENT. Identifiers: Orphanet 238557, MedGen C1837915, MONDO:0009892, OMIM 263400.
Von Hippel-Lindau syndrome (VHLS). Also called: VHL syndrome; Von Hippel-Lindau; von Hippel–Lindau syndrome. Identifiers: Orphanet 892, MedGen C0019562, MONDO:0008667, OMIM 193300. Disease mechanism: loss of function.
Pheochromocytoma. Also called: MAX-Related Hereditary Paraganglioma-Pheochromocytoma Syndrome. Identifiers: Orphanet 29072, MedGen C0031511, MONDO:0008233, OMIM 171300, HP:0002666.

Allele frequency attached by ClinVar (database versions not stated): TOPMed below 0.00001.

Submissions (3):

Labcorp Genetics (formerly Invitae), Labcorp
Classification: Uncertain significance for Von Hippel-Lindau syndrome; Chuvash polycythemia. Last evaluated: 2018-05-06. Review status: criteria provided, single submitter. Criteria: Invitae Variant Classification Sherloc (09022015). Collection method: clinical testing. Allele origin: germline.
Comment: This sequence change replaces leucine with proline at codon 63 of the VHL protein (p.Leu63Pro). The leucine residue is moderately conserved and there is a moderate physicochemical difference between leucine and proline. In summary, the available evidence is currently insufficient to determine the role of this variant in disease. Therefore, it has been classified as a Variant of Uncertain Significance. This variant falls in a mutational 'hotspot', which is defined as a clustering of plausible observations within a localized region of the protein. Other missense changes reported in suspected VHL cases include p.Arg64Pro, p.Ser65Trp and p.Ser65Leu, as well as several other missense variants within the same linker region of the protein (PMID: 15611064). Experimental studies have shown that this missense change (p.Leu63Pro) produces moderate reduction of Hypoxia-inducible factor 1-alpha (HIF-1a) binding and failed to degrade Hypoxia-inducible factor 2-alpha (HIF-2a). This variant has been observed in several individuals affected with pheochromocytoma (PMID: 9663592, 19574279, 17102080). This variant is also known as c.401T>C in the literature. ClinVar contains an entry for this variant (Variation ID: 2227). This variant is not present in population databases (ExAC no frequency).

Women's Health and Genetics/Laboratory Corporation of America, LabCorp
Classification: Uncertain significance. Last evaluated: 2016-02-04. Review status: criteria provided, single submitter. Criteria: LabCorp Variant Classification Summary - May 2015. Collection method: clinical testing. Allele origin: germline.

OMIM
Classification: Pathogenic for PHEOCHROMOCYTOMA. Last evaluated: 1998-07-29. Review status: no assertion criteria provided. Collection method: literature only. Allele origin: germline. Not counted in ClinVar's aggregate classification.

Literature cited by the submitters: PubMed 15611064 (cited by Labcorp Genetics (formerly Invitae), Labcorp and Women's Health and Genetics/Laboratory Corporation of America, LabCorp); PubMed 9663592 (cited by 3 submitters); PubMed 19574279 (cited by Labcorp Genetics (formerly Invitae), Labcorp and Women's Health and Genetics/Laboratory Corporation of America, LabCorp); PubMed 17102080 (cited by Labcorp Genetics (formerly Invitae), Labcorp and Women's Health and Genetics/Laboratory Corporation of America, LabCorp); PubMed 20151405 (cited by Women's Health and Genetics/Laboratory Corporation of America, LabCorp).